The following is an entry in ClinVar:

ClinVar aggregate classification (germline): Likely pathogenic (1 of 4 stars; one submission).

Conditions:
Alport syndrome. Also called: Hemorrhagic familial nephritis; Hemorrhagic hereditary nephritis; Congenital hereditary hematuria. Identifiers: Orphanet 63, MedGen C1567741, MONDO:0018965.

Submission:

Natera, Inc.
Classification: Likely pathogenic for Alport syndrome. Last evaluated: 2025-09-02. Review status: criteria provided, single submitter. Criteria: Natera Variant Classification Schema (03/2026). Collection method: clinical testing. Allele origin: germline.
Comment: The c.2744G>C variant in COL4A4 is a missense variant predicted to cause substitution of glycine to alanine at amino acid 915. This variant is rare in the general population with a frequency below the threshold expected for the associated phenotype(s). This variant is located in a functionally critical region of the protein. Computational prediction algorithms indicate this variant is likely to affect gene or protein function. Given the available evidence, this variant is classified as Likely Pathogenic.

NM_000092.5(COL4A4):c.2744G>C (p.Gly915Ala)

Gene: COL4A4 (collagen type IV alpha 4 chain; minus strand). Cytogenetic location: 2q36.3.
Variant type: single nucleotide variant.
Coding change: c.2744G>C on transcript NM_000092.5 (MANE Select); coding-DNA position 2744, G replaced by C.
Protein change: p.Gly915Ala; replaces glycine 915 with alanine.
Molecular consequence: missense variant.
Genome position (GRCh38, 1-based): chr2:227,054,710, C>G on the plus strand (G>C on the coding strand, the complement: COL4A4 is on the minus strand). VCF-style: chr2-227054710-C-G. GRCh37 (hg19) VCF-style: chr2-227919426-C-G.
Other names: short protein forms G915A.
Identifiers: ClinVar variation 4817315 (VCV004817315.1).